The following is an entry in ClinVar:

NM_001378454.1(ALMS1):c.10148G>A (p.Ser3383Asn)

Gene: ALMS1 (ALMS1 centrosome and basal body associated protein; plus strand). Cytogenetic location: 2p13.1.
Variant type: single nucleotide variant.
Coding change: c.10148G>A on transcript NM_001378454.1 (MANE Select); coding-DNA position 10148, G replaced by A.
Protein change: p.Ser3383Asn; replaces serine 3383 with asparagine.
Molecular consequence: missense variant.
Genome position (GRCh38, 1-based): chr2:73,557,289, G>A. VCF-style: chr2-73557289-G-A. GRCh37 (hg19) VCF-style: chr2-73784416-G-A.
Other names: c.10151G>A, p.Ser3384Asn (NM_015120.4); short protein forms S3384N, S3383N.
Identifiers: ClinVar variation 459843 (VCV000459843.8), dbSNP rs1553416873, ClinGen allele CA347276593.

ClinVar aggregate classification (germline): Uncertain significance (1 of 4 stars; one submission).

Conditions:
Alstrom syndrome (ALMS). Identifiers: Orphanet 64, MedGen C0268425, MONDO:0008763, OMIM 203800.

Allele frequency attached by ClinVar (database versions not stated): TOPMed below 0.00001; gnomAD 0.00001; gnomAD exomes 0.00001.
gnomAD v4.1: 10 of 1,614,042 alleles (0.00062%); highest among the groups gnomAD compares: Non-Finnish European, 0.00085%; no homozygotes.

Submission:

Labcorp Genetics (formerly Invitae), Labcorp
Classification: Uncertain significance for Alstrom syndrome. Last evaluated: 2022-06-15. Review status: criteria provided, single submitter. Criteria: Invitae Variant Classification Sherloc (09022015). Collection method: clinical testing. Allele origin: germline.
Comment: This sequence change replaces serine, which is neutral and polar, with asparagine, which is neutral and polar, at codon 3384 of the ALMS1 protein (p.Ser3384Asn). This variant is not present in population databases (gnomAD no frequency). This variant has not been reported in the literature in individuals affected with ALMS1-related conditions. ClinVar contains an entry for this variant (Variation ID: 459843). In summary, the available evidence is currently insufficient to determine the role of this variant in disease. Therefore, it has been classified as a Variant of Uncertain Significance.